The following is an entry in ClinVar:

ClinVar aggregate classification (germline): Uncertain significance (1 of 4 stars; one submission).

Submission:

GeneDx
Classification: Uncertain significance. Last evaluated: 2025-07-09. Review status: criteria provided, single submitter. Criteria: GeneDx Variant Classification Process June 2021. Collection method: clinical testing. Allele origin: germline. Affected: yes.
Comment: Not observed at significant frequency in large population cohorts (gnomAD); Nonsense variant predicted to result in protein truncation or nonsense mediated decay in a gene or region of a gene for which loss of function is not a well-established mechanism of disease; Has not been previously published as pathogenic or benign to our knowledge

NM_001080421.3(UNC13A):c.1117A>T (p.Lys373Ter)

Gene: UNC13A (unc-13 homolog A; minus strand). Cytogenetic location: 19p13.11.
Variant type: single nucleotide variant.
Coding change: c.1117A>T on transcript NM_001080421.3 (MANE Select); coding-DNA position 1117, A replaced by T.
Protein change: p.Lys373Ter; replaces lysine 373 with a stop codon.
Molecular consequence: nonsense.
Genome position (GRCh38, 1-based): chr19:17,656,049, T>A on the plus strand (A>T on the coding strand, the complement: UNC13A is on the minus strand). VCF-style: chr19-17656049-T-A. GRCh37 (hg19) VCF-style: chr19-17766858-T-A.
Other names: c.1117A>T, p.Lys373Ter (NM_001387021.1, NM_001387022.1, NM_001387023.1); short protein forms K373*.
Identifiers: ClinVar variation 4685323 (VCV004685323.1).
Genomic context (GRCh38, chr19:17,656,049, plus strand): 5'-TGGGTGCCACTGGGGCCTTGTCCTCCTTCCCTGGGGCAGCTGGCGGGAGGCTGATGCGTT[T>A]GAAGTCTTTGGGCTCAGCCACAGCTACGTCTTCACGCTGGGCATAGCTGCCCAAATCGTC-3'